The following is an entry in ClinVar:

ClinVar aggregate classification (germline): Uncertain significance (1 of 4 stars; one submission).

Submission:

CeGaT Center for Human Genetics Tuebingen
Classification: Uncertain significance. Last evaluated: 2026-04-01. Review status: criteria provided, single submitter. Criteria: CeGaT Center For Human Genetics Tuebingen Variant Classification Criteria Version 2. Collection method: clinical testing. Allele origin: germline. Affected: yes. Observed: 2 variant alleles.
Comment: CREBBP: PM2, PP2, BP4

NM_004380.3(CREBBP):c.3211G>C (p.Ala1071Pro)

Gene: CREBBP (CREB binding lysine acetyltransferase; minus strand). Cytogenetic location: 16p13.3.
Variant type: single nucleotide variant.
Coding change: c.3211G>C on transcript NM_004380.3 (MANE Select); coding-DNA position 3211, G replaced by C.
Protein change: p.Ala1071Pro; replaces alanine 1071 with proline.
Molecular consequence: missense variant.
Genome position (GRCh38, 1-based): chr16:3,767,759, C>G on the plus strand (G>C on the coding strand, the complement: CREBBP is on the minus strand). VCF-style: chr16-3767759-C-G. GRCh37 (hg19) VCF-style: chr16-3817760-C-G.
Other names: c.3097G>C, p.Ala1033Pro (NM_001079846.1); short protein forms A1033P, A1071P.
Identifiers: ClinVar variation 4873000 (VCV004873000.2).